The following is an entry in ClinVar:

NM_152564.5(VPS13B):c.7909del (p.Gln2637fs)

Gene: VPS13B (vacuolar protein sorting 13 homolog B; plus strand). Cytogenetic location: 8q22.2.
Variant type: Deletion.
Coding change: c.7909del on transcript NM_152564.5 (MANE Select); coding-DNA position 7909, one base deleted (C; older notation c.7909delC).
Protein change: p.Gln2637fs; shifts the reading frame from glutamine 2637.
Molecular consequence: frameshift variant.
Genome position (GRCh38, 1-based): chr8:99,784,444, C deleted; the last of 2 consecutive C bases (chr8:99,784,443-99,784,444); deleting either gives the same sequence. VCF-style (leftmost placement, unchanged base first): chr8-99784442-AC-A. GRCh37 (hg19) VCF-style: chr8-100796670-AC-A.
Other names: c.7984del, p.Gln2662fs (NM_017890.5); short protein forms Q2637fs, Q2662fs.
Identifiers: ClinVar variation 3344795 (VCV003344795.1).

ClinVar aggregate classification (germline): Likely pathogenic (0 of 4 stars; one submission).

Conditions:
VPS13B-related disorder. Also called: VPS13B-related condition.

Submission:

PreventionGenetics, part of Exact Sciences
Classification: Likely pathogenic for VPS13B-related condition. Last evaluated: 2024-04-03. Review status: no assertion criteria provided. Collection method: clinical testing. Allele origin: germline.
Comment: The VPS13B c.7909delC variant is predicted to result in a frameshift and premature protein termination (p.Gln2637Serfs*80). To our knowledge, this variant has not been reported in the literature or in a large population database, indicating this variant is rare. Frameshift variants in VPS13B are expected to be pathogenic. This variant is interpreted as likely pathogenic.